The following is an entry in ClinVar:

NM_004526.4(MCM2):c.1186G>A (p.Ala396Thr)

Gene: MCM2 (minichromosome maintenance complex component 2; plus strand). Cytogenetic location: 3q21.3.
Variant type: single nucleotide variant.
Coding change: c.1186G>A on transcript NM_004526.4 (MANE Select); coding-DNA position 1186, G replaced by A.
Protein change: p.Ala396Thr; replaces alanine 396 with threonine.
Molecular consequence: missense variant. On other transcripts: non-coding transcript variant (1).
Genome position (GRCh38, 1-based): chr3:127,608,466, G>A. VCF-style: chr3-127608466-G-A. GRCh37 (hg19) VCF-style: chr3-127327309-G-A.
Other names: short protein forms A396T.
Identifiers: ClinVar variation 508564 (VCV000508564.41), dbSNP rs3087450, ClinGen allele CA2595817.

ClinVar aggregate classification (germline): Benign/Likely benign. Review status: criteria provided, multiple submitters, no conflicts (2 of 4 stars). 6 submissions from 6 submitters: Benign (3); Likely benign (2). 1 of the submissions does not count toward it. Last evaluated 2025-12-18.

Conditions:
MCM2-related disorder. Also called: MCM2-related condition.

Allele frequency attached by ClinVar (database versions not stated): 1000 Genomes Project 0.00220; 1000 Genomes Project 30x 0.00265; gnomAD 0.00768 and 0.00858; gnomAD exomes 0.00804; ExAC 0.00807; ESP Exome Variant Server 0.00815; TOPMed 0.00832.
gnomAD v4.1: 17,291 of 1,614,204 alleles (1.1%); highest among the groups gnomAD compares: Middle Eastern, 1.3%; 121 homozygotes.

Submissions (6):

Labcorp Genetics (formerly Invitae), Labcorp
Classification: Benign. Last evaluated: 2025-12-18. Review status: criteria provided, single submitter. Criteria: Invitae Variant Classification Sherloc (09022015). Collection method: clinical testing. Allele origin: germline.

CeGaT Center for Human Genetics Tuebingen
Classification: Benign. Last evaluated: 2023-04-01. Review status: criteria provided, single submitter. Criteria: CeGaT Center For Human Genetics Tuebingen Variant Classification Criteria Version 2. Collection method: clinical testing. Allele origin: germline. Affected: yes. Observed: 3 variant alleles.
Comment: MCM2: BS1, BS2

Athena Diagnostics
Classification: Likely benign. Last evaluated: 2018-08-10. Review status: criteria provided, single submitter. Criteria: Athena Diagnostics Criteria. Collection method: clinical testing. Allele origin: germline.

GeneDx
Classification: Benign. Last evaluated: 2018-01-31. Review status: criteria provided, single submitter. Criteria: GeneDx Variant Classification (06012015). Collection method: clinical testing. Allele origin: germline. Affected: yes.
Comment: This variant is considered likely benign or benign based on one or more of the following criteria: it is a conservative change, it occurs at a poorly conserved position in the protein, it is predicted to be benign by multiple in silico algorithms, and/or has population frequency not consistent with disease.

Breakthrough Genomics
Classification: Likely benign. Review status: criteria provided, single submitter. Criteria: ACMG Guidelines, 2015. Collection method: not provided. Allele origin: germline. Inheritance: Autosomal dominant inheritance. Affected: yes.

PreventionGenetics, part of Exact Sciences
Classification: Benign for MCM2-related condition. Last evaluated: 2019-09-25. Review status: no assertion criteria provided. Collection method: clinical testing. Allele origin: germline. Not counted in ClinVar's aggregate classification.
Comment: This variant is classified as benign based on ACMG/AMP sequence variant interpretation guidelines (Richards et al. 2015 PMID: 25741868, with internal and published modifications).

Literature cited by the submitters: PubMed 29706348 (cited by Athena Diagnostics).